The following is an entry in ClinVar:

NM_006950.3(SYN1):c.1298A>G (p.His433Arg)

Gene: SYN1 (synapsin I; minus strand). Cytogenetic location: Xp11.3.
Variant type: single nucleotide variant.
Coding change: c.1298A>G on transcript NM_006950.3 (MANE Select); coding-DNA position 1298, A replaced by G.
Protein change: p.His433Arg; replaces histidine 433 with arginine.
Molecular consequence: missense variant.
Genome position (GRCh38, 1-based): chrX:47,575,135, T>C on the plus strand (A>G on the coding strand, the complement: SYN1 is on the minus strand). VCF-style: chrX-47575135-T-C. GRCh37 (hg19) VCF-style: chrX-47434534-T-C.
Other names: c.1298A>G, p.His433Arg (NM_133499.2); short protein forms H433R.
Identifiers: ClinVar variation 4707911 (VCV004707911.1).

ClinVar aggregate classification (germline): Uncertain significance (1 of 4 stars; one submission).

Conditions:
Epilepsy, X-linked 1, with variable learning disabilities and behavior disorders. Also called: X-linked epilepsy-learning disabilities-behavior disorders syndrome. Identifiers: Orphanet 85294, MedGen C5774177, MONDO:0010339, OMIM 300491.

gnomAD v4.1: 13 of 1,187,334 alleles (0.0011%); highest among the groups gnomAD compares: Non-Finnish European, 0.0014%; no homozygotes.

Submission:

Labcorp Genetics (formerly Invitae), Labcorp
Classification: Uncertain significance for Epilepsy, X-linked 1, with variable learning disabilities and behavior disorders. Last evaluated: 2025-10-23. Review status: criteria provided, single submitter. Criteria: Invitae Variant Classification Sherloc (09022015). Collection method: clinical testing. Allele origin: germline.
Comment: This sequence change replaces histidine, which is basic and polar, with arginine, which is basic and polar, at codon 433 of the SYN1 protein (p.His433Arg). This variant is present in population databases (no rsID available, gnomAD 0.004%). This variant has not been reported in the literature in individuals affected with SYN1-related conditions. An algorithm developed to predict the effect of missense changes on protein structure and function (PolyPhen-2) suggests that this variant is likely to be tolerated. In summary, the available evidence is currently insufficient to determine the role of this variant in disease. Therefore, it has been classified as a Variant of Uncertain Significance.